The following is an entry in ClinVar:

ClinVar aggregate classification (germline): Pathogenic (1 of 4 stars; one submission).

Conditions:
Hereditary cancer-predisposing syndrome. Also called: Neoplastic Syndromes, Hereditary; Tumor predisposition; Hereditary Cancer Syndrome; Hereditary neoplastic syndrome. Identifiers: Orphanet 140162, MedGen C0027672, MeSH D009386, MONDO:0015356.

Submission:

Ambry Genetics
Classification: Pathogenic for Hereditary cancer-predisposing syndrome. Last evaluated: 2026-04-21. Review status: criteria provided, single submitter. Criteria: Ambry Variant Classification Scheme 2023. Collection method: clinical testing. Allele origin: germline.
Comment: The c.2376_2377insTA variant, located in coding exon 9 of the BRCA1 gene, results from an insertion of two nucleotides at position 2376, causing a translational frameshift with a predicted alternate stop codon (p.K793*). This variant is considered to be rare based on population cohorts in the Genome Aggregation Database (gnomAD). This alteration is expected to result in loss of function by premature protein truncation or nonsense-mediated mRNA decay. As such, this alteration is interpreted as a disease-causing mutation.

NM_007294.4(BRCA1):c.2376_2377insTA (p.Lys793Ter)

Gene: BRCA1 (BRCA1 DNA repair associated; minus strand). Cytogenetic location: 17q21.31.
Variant type: Insertion.
Coding change: c.2376_2377insTA on transcript NM_007294.4 (MANE Select); coding-DNA positions 2376 to 2377, TA inserted.
Protein change: p.Lys793Ter; replaces lysine 793 with a stop codon.
Molecular consequence: nonsense. On other transcripts: intron variant (137).
Genome position: GRCh38 VCF-style: chr17-43093154-T-TTA. GRCh37 (hg19) VCF-style: chr17-41245171-T-TTA.
Other names: c.2163_2164insTA, p.Lys722Ter (NM_001407918.1, NM_001407853.1, NM_001407894.1 and 9 more transcripts); c.2253_2254insTA, p.Lys752Ter (NM_001407919.1, NM_001407648.1, NM_001407681.1 and 19 more transcripts); c.2376_2377insTA, p.Lys793Ter (NM_001407624.1, NM_001407625.1, NM_001407626.1 and 30 more transcripts); c.2373_2374insTA, p.Lys792Ter (NM_001407627.1, NM_001407628.1, NM_001407629.1 and 22 more transcripts); c.2367_2368insTA, p.Lys790Ter (NM_001407646.1, NM_001407647.1); c.2250_2251insTA, p.Lys751Ter (NM_001407649.1, NM_001407685.1, NM_001407686.1 and 11 more transcripts); c.2298_2299insTA, p.Lys767Ter (NM_001407653.1, NM_001407654.1, NM_001407655.1 and 4 more transcripts); c.2295_2296insTA, p.Lys766Ter (NM_001407659.1, NM_001407660.1, NM_001407661.1 and 1 more transcripts); and 41 more; short protein forms K497*, K625*, K665*, K666*, K681*, K682*, K704*, K705*.
Identifiers: ClinVar variation 4867720 (VCV004867720.1).